The following is an entry in ClinVar:

Single allele

Gene: DMD (dystrophin; minus strand). Cytogenetic location: Xp21.1.
Variant type: Duplication.
Identifiers: ClinVar variation 3571722 (VCV003571722.1).

ClinVar aggregate classification (germline): Pathogenic (1 of 4 stars; one submission).

Submission:

Athena Diagnostics
Classification: Pathogenic. Last evaluated: 2023-12-19. Review status: criteria provided, single submitter. Criteria: Athena Diagnostics Criteria. Collection method: clinical testing. Allele origin: unknown.
Comment: This variant is likely inserted in tandem within the DMD gene (PMID: 25640679) and, if so, would severely disrupt protein function. Multiple unrelated individuals with Duchenne muscular dystrophy (DMD) have been reported with similar duplications of exons 2-9. Duplication of the same exons has not been reported in large, multi-ethnic general populations.

Literature cited by the submitters: PubMed 12111668; PubMed 19367636; PubMed 19074751; PubMed 34297739; PubMed 28332368; PubMed 32194622; PubMed 26968818; PubMed 33644936; PubMed 25972034.